The following is an entry in ClinVar:

ClinVar aggregate classification (germline): Uncertain significance. Review status: criteria provided, multiple submitters, no conflicts (2 of 4 stars). 6 submissions from 6 submitters: Uncertain significance (6). Last evaluated 2025-11-18.

Conditions:
Sick sinus syndrome 3, susceptibility to (SSS3). Identifiers: Orphanet 166282, MedGen C3279791, MONDO:0013568, OMIM 614090.
Hypertrophic cardiomyopathy 1 (CMH1). Also called: MYH7-Related Familial Hypertrophic Cardiomyopathy; Familial hypertrophic cardiomyopathy 1. Identifiers: MedGen C3495498, MONDO:0008647, OMIM 192600.
Atrial septal defect 3 (ASD3). Identifiers: Orphanet 1478, MedGen C3279790, MONDO:0013567, OMIM 614089.
Dilated cardiomyopathy 1EE (CMD1EE). Identifiers: Orphanet 154, MedGen C2750466, MONDO:0013198, OMIM 613252.
Hypertrophic cardiomyopathy 14. Identifiers: MedGen C2750467, MONDO:0013197, OMIM 613251.
Cardiovascular phenotype. Identifiers: MedGen CN230736.
MYH6-related disorder. Also called: MYH6-Related Disorders; MYH6-related condition.

Allele frequency attached by ClinVar (database versions not stated): ExAC 0.00001; gnomAD 0.00001; TOPMed 0.00003.
gnomAD v4.1: 13 of 1,613,922 alleles (0.00081%); highest among the groups gnomAD compares: African/African-American, 0.015%; no homozygotes.

Submissions (6):

PreventionGenetics, part of Exact Sciences
Classification: Uncertain significance for MYH6-related condition. Last evaluated: 2025-11-18. Review status: criteria provided, single submitter. Criteria: ACMG Guidelines, 2015. Collection method: clinical testing. Allele origin: germline.
Comment: The MYH6 c.2292+1G>A variant is predicted to disrupt the GT donor site and interfere with normal splicing. To our knowledge, this variant has not been reported in the literature. This variant is reported in 0.0062% of alleles in individuals of African descent in gnomAD. Loss-of-function is not an established mechanism of MYH6-related disorders. At this time, the clinical significance of this variant is uncertain due to the absence of conclusive functional and genetic evidence.

Ambry Genetics
Classification: Uncertain significance for Cardiovascular phenotype. Last evaluated: 2025-08-27. Review status: criteria provided, single submitter. Criteria: Ambry Variant Classification Scheme 2023. Collection method: clinical testing. Allele origin: germline.
Comment: The c.2292+1G>A intronic variant results from a G to A substitution one nucleotide after coding exon 17 of the MYH6 gene. This nucleotide position is highly conserved in available vertebrate species. In silico splice site analysis predicts that this alteration will weaken the native splice donor site. Alterations that disrupt the canonical splice site are expected to cause aberrant splicing, resulting in an abnormal protein or a transcript that is subject to nonsense-mediated mRNA decay. However, loss of function of MYH6 has not been established as a mechanism of disease. Based on the available evidence, the clinical significance of this variant remains unclear.

Labcorp Genetics (formerly Invitae), Labcorp
Classification: Uncertain significance for Hypertrophic cardiomyopathy 14. Last evaluated: 2025-04-17. Review status: criteria provided, single submitter. Criteria: Invitae Variant Classification Sherloc (09022015). Collection method: clinical testing. Allele origin: germline.
Comment: This sequence change affects a donor splice site in intron 19 of the MYH6 gene. It is expected to disrupt RNA splicing. Variants that disrupt the donor or acceptor splice site typically lead to a loss of protein function (PMID: 16199547), however the current clinical and genetic evidence is not sufficient to establish whether loss-of-function variants in MYH6 cause disease. This variant is present in population databases (rs771569935, gnomAD 0.007%). This variant has not been reported in the literature in individuals affected with MYH6-related conditions. ClinVar contains an entry for this variant (Variation ID: 632915). Algorithms developed to predict the effect of sequence changes on RNA splicing suggest that this variant may disrupt the consensus splice site. In summary, the available evidence is currently insufficient to determine the role of this variant in disease. Therefore, it has been classified as a Variant of Uncertain Significance.

Fulgent Genetics
Classification: Uncertain significance for Hypertrophic cardiomyopathy 1; Hypertrophic cardiomyopathy 14; Dilated cardiomyopathy 1EE; Atrial septal defect 3; Sick sinus syndrome 3, susceptibility to. Last evaluated: 2022-02-04. Review status: criteria provided, single submitter. Criteria: ACMG Guidelines, 2015. Collection method: clinical testing. Allele origin: unknown.

Revvity Omics, Revvity
Classification: Uncertain significance. Last evaluated: 2020-01-23. Review status: criteria provided, single submitter. Criteria: ACMG Guidelines, 2015. Collection method: clinical testing. Allele origin: germline.

Women's Health and Genetics/Laboratory Corporation of America, LabCorp
Classification: Uncertain significance. Last evaluated: 2018-08-14. Review status: criteria provided, single submitter. Criteria: LabCorp Variant Classification Summary - May 2015. Collection method: clinical testing. Allele origin: germline.
Comment: Variant summary: MYH6 c.2292+1G>A is located in a canonical splice-site and is predicted to affect mRNA splicing resulting in a significantly altered protein due to either exon skipping, shortening, or inclusion of intronic material. Several computational tools predict a significant impact on normal splicing: Five predict the variant abolishes a 5 splicing donor site. However, these predictions have yet to be confirmed by functional studies. The variant allele was found at a frequency of 4.1e-06 in 245962 control chromosomes (gnomAD). To our knowledge, no occurrence of c.2292+1G>A in individuals affected with Cardiomyopathy and no experimental evidence demonstrating its impact on protein function have been reported. There have not been any +/- 1 or 2 splice site variants reported as pathogenic by our lab or in ClinVar in MYH6, therefore the impact of this type of variant in MYH6 has not been established. No clinical diagnostic laboratories have submitted clinical-significance assessments for this variant to ClinVar after 2014. Based on the evidence outlined above, the variant was classified as a VUS.

Literature cited by the submitters: PubMed 16199547 (cited by Labcorp Genetics (formerly Invitae), Labcorp).

NM_002471.4(MYH6):c.2292+1G>A

Gene: MYH6 (myosin heavy chain 6; minus strand). Cytogenetic location: 14q11.2.
Variant type: single nucleotide variant.
Coding change: c.2292+1G>A on transcript NM_002471.4 (MANE Select); the canonical splice donor site of the intron after coding-DNA position 2292, G replaced by A.
Molecular consequence: splice donor variant.
Genome position (GRCh38, 1-based): chr14:23,396,693, C>T on the plus strand (G>A on the coding strand, the complement: MYH6 is on the minus strand). VCF-style: chr14-23396693-C-T. GRCh37 (hg19) VCF-style: chr14-23865902-C-T.
Identifiers: ClinVar variation 632915 (VCV000632915.15), dbSNP rs771569935, ClinGen allele CA7115535.
Genomic context (GRCh38, chr14:23,396,693, plus strand): 5'-TCTCTGCTCCACTCAACATGGCCACCTGCCCTGCAACCACCCAGTGGGGCTCTAGACTCA[C>T]CTTGGTGTGGCCAAACTTGTACTGGTTGTGATCAATGTCCAGAGAGCTGAGCAGCTTCTC-3'